The following is an entry in ClinVar:

NM_013372.7(GREM1):c.134A>G (p.Glu45Gly)

Gene: GREM1 (gremlin 1, DAN family BMP antagonist; plus strand). Cytogenetic location: 15q13.3.
Variant type: single nucleotide variant.
Coding change: c.134A>G on transcript NM_013372.7 (MANE Select); coding-DNA position 134, A replaced by G.
Protein change: p.Glu45Gly; replaces glutamic acid 45 with glycine.
Molecular consequence: missense variant. On other transcripts: intron variant (2).
Genome position (GRCh38, 1-based): chr15:32,730,824, A>G. VCF-style: chr15-32730824-A-G. GRCh37 (hg19) VCF-style: chr15-33023025-A-G.
Other names: c.134A>G, p.Glu45Gly (NM_001368719.1); c.114+20A>G (NM_001191323.2); c.28-104A>G (NM_001191322.2); short protein forms E45G.
Identifiers: ClinVar variation 2479979 (VCV002479979.3), dbSNP rs1200082572, ClinGen allele CA391557258.

ClinVar aggregate classification (germline): Uncertain significance (1 of 4 stars; one submission).

Conditions:
Hereditary cancer-predisposing syndrome. Also called: Neoplastic Syndromes, Hereditary; Hereditary neoplastic syndrome; Tumor predisposition; Hereditary Cancer Syndrome. Identifiers: Orphanet 140162, MedGen C0027672, MeSH D009386, MONDO:0015356.

Allele frequency attached by ClinVar (database versions not stated): gnomAD exomes below 0.00001; TOPMed below 0.00001.
gnomAD v4.1: 2 of 1,613,942 alleles (0.00012%); highest among the groups gnomAD compares: Admixed American, 0.0033%; no homozygotes.

Submission:

Ambry Genetics
Classification: Uncertain significance for Hereditary cancer-predisposing syndrome. Last evaluated: 2025-02-15. Review status: criteria provided, single submitter. Criteria: Ambry Variant Classification Scheme 2023. Collection method: clinical testing. Allele origin: germline.
Comment: The p.E45G variant (also known as c.134A>G), located in coding exon 1 of the GREM1 gene, results from an A to G substitution at nucleotide position 134. The glutamic acid at codon 45 is replaced by glycine, an amino acid with similar properties. This amino acid position is conserved. In addition, this alteration is predicted to be tolerated by in silico analysis. Since supporting evidence is limited at this time, the clinical significance of this alteration remains unclear.